The following is an entry in ClinVar:

NM_004064.5(CDKN1B):c.343G>T (p.Ala115Ser)

Gene: CDKN1B (cyclin dependent kinase inhibitor 1B; plus strand). Cytogenetic location: 12p13.1.
Variant type: single nucleotide variant.
Coding change: c.343G>T on transcript NM_004064.5 (MANE Select); coding-DNA position 343, G replaced by T.
Protein change: p.Ala115Ser; replaces alanine 115 with serine.
Molecular consequence: missense variant.
Genome position (GRCh38, 1-based): chr12:12,718,182, G>T. VCF-style: chr12-12718182-G-T. GRCh37 (hg19) VCF-style: chr12-12871116-G-T.
Other names: short protein forms A115S.
Identifiers: ClinVar variation 3265544 (VCV003265544.2).

ClinVar aggregate classification (germline): Conflicting classifications of pathogenicity. Review status: criteria provided, conflicting classifications (1 of 4 stars). 2 submissions from 2 submitters: Uncertain significance (1); Likely benign (1). Last evaluated 2025-06-01.

Conditions:
Hereditary cancer-predisposing syndrome. Also called: Neoplastic Syndromes, Hereditary; Hereditary neoplastic syndrome; Tumor predisposition; Hereditary Cancer Syndrome. Identifiers: Orphanet 140162, MedGen C0027672, MeSH D009386, MONDO:0015356.
Multiple endocrine neoplasia type 4. Also called: MULTIPLE ENDOCRINE NEOPLASIA, TYPE IV. Identifiers: Orphanet 276152, MedGen C1970712, MONDO:0012552, OMIM 610755.

gnomAD v4.1: 4 of 1,613,108 alleles (0.00025%); no homozygotes.

Submissions (2):

Labcorp Genetics (formerly Invitae), Labcorp
Classification: Uncertain significance for Multiple endocrine neoplasia type 4. Last evaluated: 2025-06-01. Review status: criteria provided, single submitter. Criteria: Invitae Variant Classification Sherloc (09022015). Collection method: clinical testing. Allele origin: germline.
Comment: This sequence change replaces alanine, which is neutral and non-polar, with serine, which is neutral and polar, at codon 115 of the CDKN1B protein (p.Ala115Ser). This variant is present in population databases (rs779986355, gnomAD 0.009%). This variant has not been reported in the literature in individuals affected with CDKN1B-related conditions. ClinVar contains an entry for this variant (Variation ID: 3265544). An algorithm developed to predict the effect of missense changes on protein structure and function (PolyPhen-2) suggests that this variant is likely to be tolerated. In summary, the available evidence is currently insufficient to determine the role of this variant in disease. Therefore, it has been classified as a Variant of Uncertain Significance.

Ambry Genetics
Classification: Likely benign for Hereditary cancer-predisposing syndrome. Last evaluated: 2024-05-17. Review status: criteria provided, single submitter. Criteria: Ambry Variant Classification Scheme 2023. Collection method: clinical testing. Allele origin: germline.